The following is an entry in ClinVar:

ClinVar aggregate classification (germline): Uncertain significance (1 of 4 stars; one submission).

Allele frequency attached by ClinVar (database versions not stated): gnomAD 0.00001; ExAC 0.00002; gnomAD exomes 0.00002.
gnomAD v4.1: 14 of 1,611,516 alleles (0.00087%); no homozygotes.

Submission:

Ambry Genetics
Classification: Uncertain significance. Last evaluated: 2025-08-01. Review status: criteria provided, single submitter. Criteria: Ambry Variant Classification Scheme 2023. Collection method: clinical testing. Allele origin: germline.
Comment: The p.V777A variant (also known as c.2330T>C), located in coding exon 15 of the RINT1 gene, results from a T to C substitution at nucleotide position 2330. The valine at codon 777 is replaced by alanine, an amino acid with similar properties. This amino acid position is conserved. In addition, this alteration is predicted to be tolerated by in silico analysis. Since supporting evidence is limited at this time, the clinical significance of this alteration remains unclear.

NM_021930.6(RINT1):c.2330T>C (p.Val777Ala)

Genes: EFCAB10 (EF-hand calcium binding domain 10; minus strand), RINT1 (RAD50 interactor 1; plus strand). Cytogenetic location: 7q22.3.
Variant type: single nucleotide variant.
Coding change: c.2330T>C on transcript NM_021930.6 (MANE Select); coding-DNA position 2330, T replaced by C.
Protein change: p.Val777Ala; replaces valine 777 with alanine.
Molecular consequence: missense variant. On other transcripts: 3 prime UTR variant (2), non-coding transcript variant (1), intron variant (3).
Genome position (GRCh38, 1-based): chr7:105,567,262, T>C. VCF-style: chr7-105567262-T-C. GRCh37 (hg19) VCF-style: chr7-105207709-T-C.
Other names: c.*192A>G (NM_001355527.2, NM_001355529.2); c.2096T>C, p.Val699Ala (NM_001346599.2); c.1307T>C, p.Val436Ala (NM_001346600.2, NM_001346603.2); c.1406T>C, p.Val469Ala (NM_001346601.2); c.360-1815A>G (NM_001355531.2); c.383+205A>G (NM_001355526.2, NM_001355530.2); short protein forms V436A, V469A, V699A, V777A.
Identifiers: ClinVar variation 2496969 (VCV002496969.3), dbSNP rs780817707, ClinGen allele CA4426934.